The following is an entry in ClinVar:

NM_001105206.3(LAMA4):c.3246A>G (p.Pro1082=)

Gene: LAMA4 (laminin subunit alpha 4; minus strand). Cytogenetic location: 6q21.
Variant type: single nucleotide variant.
Coding change: c.3246A>G on transcript NM_001105206.3 (MANE Select); coding-DNA position 3246, A replaced by G.
Protein change: p.Pro1082=; no amino-acid change (proline 1082 retained).
Molecular consequence: synonymous variant.
Genome position (GRCh38, 1-based): chr6:112,139,156, T>C on the plus strand (A>G on the coding strand, the complement: LAMA4 is on the minus strand). VCF-style: chr6-112139156-T-C. GRCh37 (hg19) VCF-style: chr6-112460358-T-C.
Other names: c.3225A>G, p.Pro1075= (NM_001105207.3, NM_002290.5); c.3225A>G (LRG_433t2).
Identifiers: ClinVar variation 388067 (VCV000388067.12), dbSNP rs782387031, ClinGen allele CA3965276.

ClinVar aggregate classification (germline): Likely benign. Review status: criteria provided, multiple submitters, no conflicts (2 of 4 stars). 4 submissions from 4 submitters: Likely benign (3). 1 of the submissions does not count toward it. Last evaluated 2026-01-29.

Conditions:
Dilated cardiomyopathy 1JJ (CMD1JJ). Identifiers: Orphanet 154, MedGen C3808935, MONDO:0014095, OMIM 615235.
LAMA4-related disorder. Also called: LAMA4-related condition.
Cardiovascular phenotype. Identifiers: MedGen CN230736.

Allele frequency attached by ClinVar (database versions not stated): gnomAD 0.00004; gnomAD exomes 0.00004 and 0.00015; TOPMed 0.00006; ExAC 0.00012.
gnomAD v4.1: 58 of 1,614,072 alleles (0.0036%); highest among the groups gnomAD compares: Admixed American, 0.093%; no homozygotes.

Submissions (4):

Labcorp Genetics (formerly Invitae), Labcorp
Classification: Likely benign for Dilated cardiomyopathy 1JJ. Last evaluated: 2026-01-29. Review status: criteria provided, single submitter. Criteria: Invitae Variant Classification Sherloc (09022015). Collection method: clinical testing. Allele origin: germline.

Ambry Genetics
Classification: Likely benign for Cardiovascular phenotype. Last evaluated: 2024-05-04. Review status: criteria provided, single submitter. Criteria: Ambry Variant Classification Scheme 2023. Collection method: clinical testing. Allele origin: germline.

GeneDx
Classification: Likely benign. Last evaluated: 2016-07-25. Review status: criteria provided, single submitter. Criteria: GeneDx Variant Classification (06012015). Collection method: clinical testing. Allele origin: germline. Affected: yes.
Comment: This variant is considered likely benign or benign based on one or more of the following criteria: it is a conservative change, it occurs at a poorly conserved position in the protein, it is predicted to be benign by multiple in silico algorithms, and/or has population frequency not consistent with disease.

PreventionGenetics, part of Exact Sciences
Classification: Likely benign for LAMA4-related condition. Last evaluated: 2019-03-22. Review status: no assertion criteria provided. Collection method: clinical testing. Allele origin: germline. Not counted in ClinVar's aggregate classification.
Comment: This variant is classified as likely benign based on ACMG/AMP sequence variant interpretation guidelines (Richards et al. 2015 PMID: 25741868, with internal and published modifications).